The following is an entry in ClinVar:

ClinVar aggregate classification (germline): Uncertain significance (1 of 4 stars; one submission).

Conditions:
PCNT-related disorder. Also called: PCNT-related condition.

Submission:

PreventionGenetics, part of Exact Sciences
Classification: Uncertain significance for PCNT-related condition. Last evaluated: 2024-12-06. Review status: criteria provided, single submitter. Criteria: ACMG Guidelines, 2015. Collection method: clinical testing. Allele origin: germline.
Comment: The PCNT c.3778T>C variant is predicted to result in the amino acid substitution p.Phe1260Leu. To our knowledge, this variant has not been reported in the literature or in a large population database (gnomAD), indicating this variant is rare. At this time, the clinical significance of this variant is uncertain due to the absence of conclusive functional and genetic evidence.

NM_006031.6(PCNT):c.3778T>C (p.Phe1260Leu)

Gene: PCNT (pericentrin; plus strand). Cytogenetic location: 21q22.3.
Variant type: single nucleotide variant.
Coding change: c.3778T>C on transcript NM_006031.6 (MANE Select); coding-DNA position 3778, T replaced by C.
Protein change: p.Phe1260Leu; replaces phenylalanine 1260 with leucine.
Molecular consequence: missense variant.
Genome position (GRCh38, 1-based): chr21:46,389,369, T>C. VCF-style: chr21-46389369-T-C. GRCh37 (hg19) VCF-style: chr21-47809284-T-C.
Other names: c.3424T>C, p.Phe1142Leu (NM_001315529.2); short protein forms F1142L, F1260L.
Identifiers: ClinVar variation 5000357 (VCV005000357.1).
Genomic context (GRCh38, chr21:46,389,369, plus strand): 5'-GAAAGCTTTCTCATGAGCCCAGAAAGTGTGCGGGAGTGTGAGCAGCCCATCCGGAGGGTC[T>C]TCCAGAGCCTCAGCCTGGCCGTGGACGGCCTCATGGAGATGGCCCTGGACTCCAGCAGGC-3'
Protein context (NP_006022.3, residues 1250-1270): RECEQPIRRV[Phe1260Leu]QSLSLAVDGL